The following is an entry in ClinVar:

NM_006892.4(DNMT3B):c.2459A>G (p.Asn820Ser)

Gene: DNMT3B (DNA methyltransferase 3 beta; plus strand). Cytogenetic location: 20q11.21.
Variant type: single nucleotide variant.
Coding change: c.2459A>G on transcript NM_006892.4 (MANE Select); coding-DNA position 2459, A replaced by G.
Protein change: p.Asn820Ser; replaces asparagine 820 with serine.
Molecular consequence: missense variant.
Genome position (GRCh38, 1-based): chr20:32,807,800, A>G. VCF-style: chr20-32807800-A-G. GRCh37 (hg19) VCF-style: chr20-31395606-A-G.
Other names: c.2084A>G, p.Asn695Ser (NM_001207055.2); c.1982A>G, p.Asn661Ser (NM_001207056.2); c.2399A>G, p.Asn800Ser (NM_175848.2); c.2210A>G, p.Asn737Ser (NM_175849.2); c.2435A>G, p.Asn812Ser (NM_175850.3); short protein forms N737S, N820S, N661S, N695S, N800S, N812S.
Identifiers: ClinVar variation 1963609 (VCV001963609.2), dbSNP rs536641010, ClinGen allele CA9810923.
Genomic context (GRCh38, chr20:32,807,800, plus strand): 5'-CTTTTCACTCCGGTACCCCCAGGATCTTTGGCTTTCCTGTGCACTACACAGACGTGTCCA[A>G]CATGGGCCGTGGTGCCCGCCAGAAGCTGCTGGGAAGGTCCTGGAGCGTGCCTGTCATCCG-3'
Protein context (NP_008823.1, residues 810-830): GFPVHYTDVS[Asn820Ser]MGRGARQKLL

ClinVar aggregate classification (germline): Uncertain significance (1 of 4 stars; one submission).

Conditions:
Centromeric instability of chromosomes 1,9 and 16 and immunodeficiency (ICF1). Also called: Immunodeficiency-centromeric instability-facial anomalies; CENTROMERIC INSTABILITY, IMMUNODEFICIENCY SYNDROME; IMMUNE DEFICIENCY, VARIABLE, WITH CENTROMERIC INSTABILITY OF CHROMOSOMES 1, 9, AND 16; IMMUNODEFICIENCY SYNDROME, VARIABLE. Identifiers: Orphanet 2268, MedGen C0398788, MONDO:0000133.

Allele frequency attached by ClinVar (database versions not stated): ExAC 0.00001; gnomAD 0.00001; TOPMed 0.00001; gnomAD exomes 0.00002; 1000 Genomes Project 30x 0.00016; 1000 Genomes Project 0.00020.
gnomAD v4.1: 27 of 1,614,174 alleles (0.0017%); highest among the groups gnomAD compares: South Asian, 0.0022%; no homozygotes.

Submission:

Labcorp Genetics (formerly Invitae), Labcorp
Classification: Uncertain significance for Centromeric instability of chromosomes 1,9 and 16 and immunodeficiency. Last evaluated: 2022-06-25. Review status: criteria provided, single submitter. Criteria: Invitae Variant Classification Sherloc (09022015). Collection method: clinical testing. Allele origin: germline.
Comment: This sequence change replaces asparagine, which is neutral and polar, with serine, which is neutral and polar, at codon 820 of the DNMT3B protein (p.Asn820Ser). This variant is present in population databases (rs536641010, gnomAD 0.007%). This variant has not been reported in the literature in individuals affected with DNMT3B-related conditions. Algorithms developed to predict the effect of missense changes on protein structure and function are either unavailable or do not agree on the potential impact of this missense change (SIFT: "Deleterious"; PolyPhen-2: "Probably Damaging"; Align-GVGD: "Class C0"). In summary, the available evidence is currently insufficient to determine the role of this variant in disease. Therefore, it has been classified as a Variant of Uncertain Significance.